The following is an entry in ClinVar:

ClinVar aggregate classification (germline): Benign/Likely benign. Review status: criteria provided, multiple submitters, no conflicts (2 of 4 stars). 3 submissions from 3 submitters: Benign (1); Likely benign (2). Last evaluated 2025-10-01.

Allele frequency attached by ClinVar (database versions not stated): TOPMed 0.00005; ExAC 0.00011; gnomAD 0.00011; 1000 Genomes Project 0.00060; 1000 Genomes Project 30x 0.00062.
gnomAD v4.1: 59 of 1,613,972 alleles (0.0037%); highest among the groups gnomAD compares: East Asian, 0.091%; 1 homozygote.

Submissions (3):

CeGaT Center for Human Genetics Tuebingen
Classification: Likely benign. Last evaluated: 2025-10-01. Review status: criteria provided, single submitter. Criteria: CeGaT Center For Human Genetics Tuebingen Variant Classification Criteria Version 2. Collection method: clinical testing. Allele origin: germline. Affected: yes. Observed: 1 variant allele.
Comment: ARID1B: BP4, BP7

Labcorp Genetics (formerly Invitae), Labcorp
Classification: Benign. Last evaluated: 2022-08-19. Review status: criteria provided, single submitter. Criteria: Invitae Variant Classification Sherloc (09022015). Collection method: clinical testing. Allele origin: germline.

Blueprint Genetics
Classification: Likely benign. Last evaluated: 2022-04-08. Review status: criteria provided, single submitter. Criteria: ACMG Guidelines, 2015. Collection method: clinical testing. Allele origin: germline.

NM_001374828.1(ARID1B):c.2508G>A (p.Pro836=)

Gene: ARID1B (AT-rich interaction domain 1B; plus strand). Cytogenetic location: 6q25.3.
Variant type: single nucleotide variant.
Coding change: c.2508G>A on transcript NM_001374828.1 (MANE Select); coding-DNA position 2508, G replaced by A.
Protein change: p.Pro836=; no amino-acid change (proline 836 retained).
Molecular consequence: synonymous variant.
Genome position (GRCh38, 1-based): chr6:157,110,488, G>A. VCF-style: chr6-157110488-G-A. GRCh37 (hg19) VCF-style: chr6-157431622-G-A.
Other names: c.2259G>A, p.Pro753= (NM_001346813.1); c.9G>A, p.Pro3= (NM_001363725.2); c.2547G>A, p.Pro849= (NM_001371656.1, NM_001374820.1); c.2508G>A, p.Pro836= (NM_017519.3); c.2298G>A, p.Pro766= (NM_020732.3); c.2085G>A, p.Pro695= (NM_175863.2).
Identifiers: ClinVar variation 2045958 (VCV002045958.11), dbSNP rs190653632, ClinGen allele CA4067068.